The following is an entry in ClinVar:

NM_024675.4(PALB2):c.2811A>G (p.Gly937=)

Gene: PALB2 (partner and localizer of BRCA2; minus strand). Cytogenetic location: 16p12.2.
Variant type: single nucleotide variant.
Coding change: c.2811A>G on transcript NM_024675.4 (MANE Select); coding-DNA position 2811, A replaced by G.
Protein change: p.Gly937=; no amino-acid change (glycine 937 retained).
Molecular consequence: synonymous variant.
Genome position (GRCh38, 1-based): chr16:23,624,032, T>C on the plus strand (A>G on the coding strand, the complement: PALB2 is on the minus strand). VCF-style: chr16-23624032-T-C. GRCh37 (hg19) VCF-style: chr16-23635353-T-C.
Identifiers: ClinVar variation 821838 (VCV000821838.14), dbSNP rs876660486, ClinGen allele CA494181107.
Genomic context (GRCh38, chr16:23,624,032, plus strand): 5'-TGAAGGAAAAACAAATCACTCCTTGGGAATTACATACCTGATCTCTCTGATTTCCAAATT[T>C]CCCAAAGCTACACACACGAGATTATACACATCAGGCACTGGAACTATCTGTAATACTGGA-3'
Protein context (NP_078951.2, residues 927-947): DVYNLVCVAL[Gly937=]NLEIREIRAL

ClinVar aggregate classification (germline): Benign/Likely benign. Review status: criteria provided, multiple submitters, no conflicts (2 of 4 stars). 4 submissions from 4 submitters: Benign (1); Likely benign (3). Last evaluated 2025-01-17.

Conditions:
Hereditary cancer-predisposing syndrome. Also called: Tumor predisposition; Hereditary Cancer Syndrome; Neoplastic Syndromes, Hereditary; Hereditary neoplastic syndrome. Identifiers: Orphanet 140162, MedGen C0027672, MeSH D009386, MONDO:0015356.
Familial cancer of breast. Also called: BREAST CANCER, FAMILIAL; Hereditary breast cancer; hereditary breast carcinoma. Identifiers: Orphanet 227535, MedGen C0346153, MONDO:0016419, OMIM 114480. Disease mechanism: loss of function.

Submissions (4):

Myriad Genetics, Inc.
Classification: Benign for Familial cancer of breast. Last evaluated: 2025-01-17. Review status: criteria provided, single submitter. Criteria: Myriad Autosomal Dominant, Autosomal Recessive and X-Linked Classification Criteria (2023). Collection method: clinical testing. Allele origin: unknown.
Comment: This variant is considered benign. This variant is a silent/synonymous amino acid change and it is not expected to impact splicing.

Labcorp Genetics (formerly Invitae), Labcorp
Classification: Likely benign for Familial cancer of breast. Last evaluated: 2024-03-19. Review status: criteria provided, single submitter. Criteria: Invitae Variant Classification Sherloc (09022015). Collection method: clinical testing. Allele origin: germline.

Sema4
Classification: Likely benign for Hereditary cancer-predisposing syndrome. Last evaluated: 2021-07-13. Review status: criteria provided, single submitter. Criteria: Sema4 Curation Guidelines. Collection method: curation. Allele origin: germline.

Ambry Genetics
Classification: Likely benign for Hereditary cancer-predisposing syndrome. Last evaluated: 2015-10-13. Review status: criteria provided, single submitter. Criteria: Ambry Variant Classification Scheme 2023. Collection method: clinical testing. Allele origin: germline.